The following is an entry in ClinVar:

ClinVar aggregate classification (germline): Conflicting classifications of pathogenicity. Review status: criteria provided, conflicting classifications (1 of 4 stars). 7 submissions from 7 submitters: Pathogenic (3); Likely pathogenic (3); Uncertain significance (1). Last evaluated 2026-05-13.

Conditions:
TTN-related disorder. Also called: TTN-related condition; TTN-related disease; TTN-related disorders.
Cardiovascular phenotype. Identifiers: MedGen CN230736.
Autosomal recessive limb-girdle muscular dystrophy type 2J (LGMDR10). Also called: Limb-girdle muscular dystrophy, type 2J; MUSCULAR DYSTROPHY, LIMB-GIRDLE, AUTOSOMAL RECESSIVE 10. Identifiers: Orphanet 140922, MedGen C1837342, MONDO:0012127, OMIM 608807.
Dilated cardiomyopathy 1G (CMD1G). Identifiers: Orphanet 154, MedGen C1858763, MONDO:0011400, OMIM 604145.
Primary dilated cardiomyopathy (DCM). Also called: Dilated Cardiomyopathy. Identifiers: Orphanet 217604, MedGen C0007193, MeSH D002311, MONDO:0005021, HP:0001644. Inheritance: Various modes of inheritance.

Allele frequency attached by ClinVar (database versions not stated): gnomAD 0.00001; TOPMed 0.00001.
gnomAD v4.1: 8 of 1,612,220 alleles (0.0005%); highest among the groups gnomAD compares: Non-Finnish European, 0.00059%; no homozygotes.

Submissions (7):

PreventionGenetics, part of Exact Sciences
Classification: Pathogenic for TTN-related condition. Last evaluated: 2026-05-13. Review status: criteria provided, single submitter. Criteria: ACMG Guidelines, 2015. Collection method: clinical testing. Allele origin: germline.
Comment: The TTN c.45307C>T variant is predicted to result in premature protein termination (p.Arg15103*). This variant, also described as c.37603C>T, p.Arg12535* (NM_133378.4), has been reported in the heterozygous state in multiple individuals with dilated cardiomyopathy (see for example: Supplementary Table S1 and S3, Pugh et al. 2014. PubMed ID: 24503780; Supplemental Table 3, Mazzarotto et al. 2020. PubMed ID: 31983221; Table S1, Rich et al. 2020. PubMed ID: 32815318; Table S3, Meyer et al. 2024. PubMed ID: 38050027; Table S11, Josephs et al. 2024. PubMed ID: 39472908). This variant has not been reported in a large population database (gnomAD), indicating this variant is rare. This variant is located in the TTN protein I-band region. RNAseq studies from heart tissue indicate this exon is commonly included in TTN mRNA transcripts (PSI of 100%, Roberts et al. 2015. PubMed ID: 25589632). TTN loss-of-function variants occurring in constitutively expressed exons (PSI > 90%) are more likely to be disease causing for TTN cardiac-related disorders regardless of band location (Roberts et al. 2015. PubMed ID: 25589632; Schafer et al. 2017 PubMed ID: 27869827; Akhtar et al. 2020. PubMed ID: 32964742). Many cases of recessive TTN-related myopathies in which the individual is compound heterozygous for two loss-of-function variants in TTN have also been reported (Ge et al. 2019. PubMed ID: 31053406; Oates et al. 2018. PubMed ID: 29691892; Rees et al. 2021. PubMed ID: 33449170). In summary, this variant is categorized as pathogenic. Of note, this variant is considered pathogenic for increased risk of TTN-related cardiac disorders, and also for autosomal recessive TTN-related congenital titinopathies.

GeneDx
Classification: Pathogenic. Last evaluated: 2026-01-27. Review status: criteria provided, single submitter. Criteria: GeneDx Variant Classification Process June 2021. Collection method: clinical testing. Allele origin: germline. Affected: yes.
Comment: Nonsense variant predicted to result in protein truncation or nonsense mediated decay in a gene for which loss of function is a known mechanism of disease; Not observed at significant frequency in large population cohorts (gnomAD); This variant is associated with the following publications: (PMID: 31983221, 31727422, 27532257, 35177841, 31251381, 27625338, 27869827, 32778822, 37652022, 38050027, 24503780, 32815318, 39472908)

Labcorp Genetics (formerly Invitae), Labcorp
Classification: Pathogenic for Dilated cardiomyopathy 1G; Autosomal recessive limb-girdle muscular dystrophy type 2J. Last evaluated: 2026-01-07. Review status: criteria provided, single submitter. Criteria: Invitae Variant Classification Sherloc (09022015). Collection method: clinical testing. Allele origin: germline.
Comment: This sequence change creates a premature translational stop signal (p.Arg15103*) in the TTN gene. While this is not anticipated to result in nonsense mediated decay, it is expected to create a truncated TTN protein. This variant is not present in population databases (gnomAD no frequency). This premature translational stop signal has been observed in individuals with autosomal dominant dilated cardiomyopathy and/or clinical features of autosomal recessive centronuclear myopathy (PMID: 27532257, 31251381, 31727422, 31983221; internal data). This variant is also known as p.Arg12535Ter. ClinVar contains an entry for this variant (Variation ID: 46986). This variant is located in the I band of TTN (PMID: 25589632). Truncating variants in this region have been reported in individuals affected with autosomal recessive centronuclear myopathy (PMID: 23975875, internal data). Truncating variants in this region have also been identified in individuals affected with autosomal dominant dilated cardiomyopathy and/or cardio-related conditions (PMID: 27869827, 32964742, internal data). For these reasons, this variant has been classified as Pathogenic.

Ambry Genetics
Classification: Likely pathogenic for Cardiovascular phenotype. Last evaluated: 2024-05-07. Review status: criteria provided, single submitter. Criteria: Ambry Variant Classification Scheme 2023. Collection method: clinical testing. Allele origin: germline.
Comment: The p.R6038* variant (also known as c.18112C>T), located in coding exon 72 of the TTN gene, results from a C to T substitution at nucleotide position 18112. This changes the amino acid from an arginine to a stop codon within coding exon 72. This exon is located in the I-band region of the N2-B isoform of the titin protein and is constitutively expressed in TTN transcripts (percent spliced in or PSI 100%). This alteration was reported in one individual with dilated cardiomyopathy (DCM) (Pugh TJ et al. Genet. Med., 2014 Aug;16:601-8). In addition to the clinical data presented in the literature, this alteration is expected to result in loss of function by premature protein truncation or nonsense-mediated mRNA decay. While truncating variants in TTN are present in 1-3% of the general population, truncating variants in the A-band are the most common cause of dilated cardiomyopathy (DCM) (Herman DS et al. N. Engl. J. Med., 2012 Feb;366:619-28; Roberts AM et al. Sci Transl Med, 2015 Jan;7:270ra6). TTN truncating variants encoded in constitutive exons (PSI >90%) have been found to be significantly associated with DCM regardless of their position in titin (Schafer S et al. Nat. Genet., 2017 01;49:46-53). This variant is considered to be rare based on population cohorts in the Genome Aggregation Database (gnomAD). As such, this alteration is classified as likely pathogenic.

Mayo Clinic Laboratories, Mayo Clinic
Classification: Likely pathogenic. Last evaluated: 2021-11-30. Review status: criteria provided, single submitter. Criteria: ACMG Guidelines, 2015. Collection method: clinical testing. Allele origin: germline.
Comment: PM2

Stanford Center for Inherited Cardiovascular Disease, Stanford University
Classification: Uncertain significance. Last evaluated: 2017-09-22. Review status: criteria provided, single submitter. Criteria: ACMG Guidelines, 2015. Collection method: provider interpretation. Allele origin: germline.

Laboratory for Molecular Medicine, Mass General Brigham Personalized Medicine
Classification: Likely pathogenic for Primary dilated cardiomyopathy. Last evaluated: 2017-08-25. Review status: criteria provided, single submitter. Criteria: LMM Criteria. Collection method: clinical testing. Allele origin: germline. Inheritance: Autosomal dominant inheritance. Observed: 2 variant alleles.
Comment: This variant was absent from large population studies. This n onsense variant leads to a premature termination codon at position 12535, which is predicted to lead to a truncated or absent protein. Nonsense and other trunca ting variants in TTN are strongly associated with DCM if they impact the exons e ncoding the A-band (Herman 2012, Pugh 2014) and/or are located in an exon that i s highly expressed in the heart (Roberts 2015). The p.Arg12535X variant is locat ed in the I-band in the highly expressed exon 194. In summary, although addition al studies are required to fully establish its clinical significance, the p.Arg1 2535X variant is likely pathogenic. ACMG/AMP Criteria applied: PVS1_Strong; PM2.

Literature cited by the submitters: PubMed 27532257 (cited by Labcorp Genetics (formerly Invitae), Labcorp and Mayo Clinic Laboratories, Mayo Clinic); PubMed 31251381 (cited by Labcorp Genetics (formerly Invitae), Labcorp); PubMed 31727422 (cited by Labcorp Genetics (formerly Invitae), Labcorp and Mayo Clinic Laboratories, Mayo Clinic); PubMed 31983221 (cited by Labcorp Genetics (formerly Invitae), Labcorp and Mayo Clinic Laboratories, Mayo Clinic); PubMed 25589632 (cited by Labcorp Genetics (formerly Invitae), Labcorp and Laboratory for Molecular Medicine, Mass General Brigham Personalized Medicine); PubMed 23975875 (cited by Labcorp Genetics (formerly Invitae), Labcorp); PubMed 27869827 (cited by Labcorp Genetics (formerly Invitae), Labcorp); PubMed 32964742 (cited by Labcorp Genetics (formerly Invitae), Labcorp); PubMed 24503780 (cited by 3 submitters); PubMed 33106378 (cited by Ambry Genetics and Mayo Clinic Laboratories, Mayo Clinic); PubMed 22335739 (cited by Laboratory for Molecular Medicine, Mass General Brigham Personalized Medicine).

NM_001267550.2(TTN):c.45307C>T (p.Arg15103Ter)

Genes: TTN (titin; minus strand), LOC126806427 (BRD4-independent group 4 enhancer GRCh37_chr2:179485777-179486976; plus strand). Cytogenetic location: 2q31.2.
Variant type: single nucleotide variant.
Coding change: c.45307C>T on transcript NM_001267550.2 (MANE Select); coding-DNA position 45307, C replaced by T.
Protein change: p.Arg15103Ter; replaces arginine 15103 with a stop codon.
Molecular consequence: nonsense.
Genome position (GRCh38, 1-based): chr2:178,621,517, G>A on the plus strand (C>T on the coding strand, the complement: TTN is on the minus strand). VCF-style: chr2-178621517-G-A. GRCh37 (hg19) VCF-style: chr2-179486244-G-A.
Other names: p.Arg13462*; c.37603C>T, p.Arg12535Ter (NM_133378.4); c.40384C>T, p.Arg13462Ter (NM_001256850.1); c.18112C>T, p.Arg6038Ter (NM_003319.4); c.18487C>T, p.Arg6163Ter (NM_133432.3); c.18688C>T, p.Arg6230Ter (NM_133437.4); c.45307C>T (NM_001267550.1); short protein forms R15103*, R12535*, R13462*, R6163*, R6230*, R6038*.
Identifiers: ClinVar variation 46986 (VCV000046986.30), dbSNP rs397517580, ClinGen allele CA261855.